The following is an entry in ClinVar:

ClinVar aggregate classification (germline): Uncertain significance (1 of 4 stars; one submission).

Conditions:
Ataxia-telangiectasia syndrome (AT). Also called: Ataxia-telangiectasia, complementation group E; ATAXIA-TELANGIECTASIA, COMPLEMENTATION GROUP A; ATAXIA-TELANGIECTASIA, FRESNO VARIANT; Ataxia-telangiectasia, complementation group D; AT, COMPLEMENTATION GROUP C; Ataxia-telangiectasia. Identifiers: Orphanet 100, MedGen C0004135, MONDO:0008840, OMIM 208900.

Submission:

Labcorp Genetics (formerly Invitae), Labcorp
Classification: Uncertain significance for Ataxia-telangiectasia syndrome. Last evaluated: 2024-04-25. Review status: criteria provided, single submitter. Criteria: Invitae Variant Classification Sherloc (09022015). Collection method: clinical testing. Allele origin: germline.
Comment: This sequence change replaces alanine, which is neutral and non-polar, with valine, which is neutral and non-polar, at codon 1159 of the ATM protein (p.Ala1159Val). This variant is not present in population databases (gnomAD no frequency). This missense change has been observed in individual(s) with ATM-related conditions (PMID: 30287823). An algorithm developed to predict the effect of missense changes on protein structure and function (PolyPhen-2) suggests that this variant is likely to be tolerated. Algorithms developed to predict the effect of sequence changes on RNA splicing suggest that this variant may disrupt the consensus splice site. In summary, the available evidence is currently insufficient to determine the role of this variant in disease. Therefore, it has been classified as a Variant of Uncertain Significance.

Literature cited by the submitters: PubMed 30287823.

NM_000051.4(ATM):c.3476C>T (p.Ala1159Val)

Gene: ATM (ATM serine/threonine kinase; plus strand). Cytogenetic location: 11q22.3.
Variant type: single nucleotide variant.
Coding change: c.3476C>T on transcript NM_000051.4 (MANE Select); coding-DNA position 3476, C replaced by T.
Protein change: p.Ala1159Val; replaces alanine 1159 with valine.
Molecular consequence: missense variant.
Genome position (GRCh38, 1-based): chr11:108,281,068, C>T. VCF-style: chr11-108281068-C-T. GRCh37 (hg19) VCF-style: chr11-108151795-C-T.
Other names: c.3476C>T, p.Ala1159Val (NM_001351834.2); short protein forms A1159V.
Identifiers: ClinVar variation 3706383 (VCV003706383.2).
Genomic context (GRCh38, chr11:108,281,068, plus strand): 5'-AGAACCCTGAAACTTTGGATGAAATTTATAATAGAAAATCTGTTTTACTGACGTTGATAG[C>T]TGTGGTTTTATCCTGTAGCCCTATCTGCGAAAAACAGGCTTTGTTTGCCCTGTGTAAATC-3'
Protein context (NP_000042.3, residues 1149-1169): NRKSVLLTLI[Ala1159Val]VVLSCSPICE